The following is an entry in ClinVar:

NM_003079.5(SMARCE1):c.519T>G (p.Ile173Met)

Gene: SMARCE1 (SWI/SNF related BAF chromatin remodeling complex subunit E1; minus strand). Cytogenetic location: 17q21.2.
Variant type: single nucleotide variant.
Coding change: c.519T>G on transcript NM_003079.5 (MANE Select); coding-DNA position 519, T replaced by G.
Protein change: p.Ile173Met; replaces isoleucine 173 with methionine.
Molecular consequence: missense variant.
Genome position (GRCh38, 1-based): chr17:40,635,953, A>C on the plus strand (T>G on the coding strand, the complement: SMARCE1 is on the minus strand). VCF-style: chr17-40635953-A-C. GRCh37 (hg19) VCF-style: chr17-38792205-A-C.
Other names: short protein forms I173M.
Identifiers: ClinVar variation 4170327 (VCV004170327.1).

ClinVar aggregate classification (germline): Uncertain significance (1 of 4 stars; one submission).

Conditions:
Hereditary cancer-predisposing syndrome. Also called: Neoplastic Syndromes, Hereditary; Tumor predisposition; Hereditary Cancer Syndrome; Hereditary neoplastic syndrome. Identifiers: Orphanet 140162, MedGen C0027672, MeSH D009386, MONDO:0015356.

Submission:

Ambry Genetics
Classification: Uncertain significance for Hereditary cancer-predisposing syndrome. Last evaluated: 2025-08-19. Review status: criteria provided, single submitter. Criteria: Ambry Variant Classification Scheme 2023. Collection method: clinical testing. Allele origin: germline.
Comment: The p.I173M variant (also known as c.519T>G), located in coding exon 6 of the SMARCE1 gene, results from a T to G substitution at nucleotide position 519. The isoleucine at codon 173 is replaced by methionine, an amino acid with highly similar properties. This amino acid position is conserved. In addition, this alteration is predicted to be tolerated by in silico analysis. Based on the available evidence, the clinical significance of this variant remains unclear.